The following is an entry in ClinVar:

ClinVar aggregate classification (germline): Conflicting classifications of pathogenicity. Review status: criteria provided, conflicting classifications (1 of 4 stars). 3 submissions from 3 submitters: Uncertain significance (1); Likely benign (2). Last evaluated 2025-04-29.

Conditions:
Hereditary cancer-predisposing syndrome. Also called: Hereditary neoplastic syndrome; Tumor predisposition; Hereditary Cancer Syndrome; Neoplastic Syndromes, Hereditary. Identifiers: Orphanet 140162, MedGen C0027672, MeSH D009386, MONDO:0015356.
POLD1-related polyposis and colorectal cancer syndrome (CRCS10). Also called: Colorectal cancer, susceptibility to, 10; Colorectal cancer 10; COLORECTAL CANCER, SUSCEPTIBILITY TO, ON CHROMOSOME 19q. Identifiers: Orphanet 220460, MedGen C2675481, MONDO:0012953, OMIM 612591.

Allele frequency attached by ClinVar (database versions not stated): gnomAD 0.00001; TOPMed 0.00001.
gnomAD v4.1: 6 of 1,613,948 alleles (0.00037%); highest among the groups gnomAD compares: South Asian, 0.0011%; no homozygotes.

Submissions (3):

Labcorp Genetics (formerly Invitae), Labcorp
Classification: Likely benign for POLD1-related polyposis and colorectal cancer syndrome. Last evaluated: 2025-04-29. Review status: criteria provided, single submitter. Criteria: Invitae Variant Classification Sherloc (09022015). Collection method: clinical testing. Allele origin: germline.

Ambry Genetics
Classification: Likely benign for Hereditary cancer-predisposing syndrome. Last evaluated: 2019-10-17. Review status: criteria provided, single submitter. Criteria: Ambry Variant Classification Scheme 2023. Collection method: clinical testing. Allele origin: germline.

GeneDx
Classification: Uncertain significance. Last evaluated: 2019-05-20. Review status: criteria provided, single submitter. Criteria: GeneDx Variant Classification Process June 2021. Collection method: clinical testing. Allele origin: germline. Affected: yes.
Comment: Not observed at a significant frequency in large population cohorts (Lek et al., 2016)

NM_002691.4(POLD1):c.522G>C (p.Arg174=)

Gene: POLD1 (DNA polymerase delta 1, catalytic subunit; plus strand). Cytogenetic location: 19q13.33.
Variant type: single nucleotide variant.
Coding change: c.522G>C on transcript NM_002691.4 (MANE Select); coding-DNA position 522, G replaced by C.
Protein change: p.Arg174=; no amino-acid change (arginine 174 retained).
Molecular consequence: synonymous variant. On other transcripts: non-coding transcript variant (1).
Genome position (GRCh38, 1-based): chr19:50,402,057, G>C. VCF-style: chr19-50402057-G-C. GRCh37 (hg19) VCF-style: chr19-50905314-G-C.
Other names: c.522G>C, p.Arg174= (NM_001256849.1, NM_001308632.1).
Identifiers: ClinVar variation 700584 (VCV000700584.13), dbSNP rs774283364, ClinGen allele CA9595773.